The following is an entry in ClinVar:

ClinVar aggregate classification (germline): Likely pathogenic (1 of 4 stars; one submission).

Conditions:
Dyskeratosis congenita, autosomal recessive 5 (DKCB5). Identifiers: MedGen C3554656, MONDO:0014076, OMIM 615190.
Pulmonary fibrosis and/or bone marrow failure, Telomere-related, 3. Also called: PULMONARY FIBROSIS AND/OR BONE MARROW FAILURE SYNDROME, TELOMERE-RELATED, 3. Identifiers: Orphanet 2032, MedGen C4225346, MONDO:0014613, OMIM 616373.

Submission:

Labcorp Genetics (formerly Invitae), Labcorp
Classification: Likely pathogenic for Dyskeratosis congenita, autosomal recessive 5; Pulmonary fibrosis and/or bone marrow failure, Telomere-related, 3. Last evaluated: 2022-01-18. Review status: criteria provided, single submitter. Criteria: Invitae Variant Classification Sherloc (09022015). Collection method: clinical testing. Allele origin: germline.
Comment: This sequence change affects an acceptor splice site in intron 12 of the RTEL1 gene. It is expected to disrupt RNA splicing. Variants that disrupt the donor or acceptor splice site typically lead to a loss of protein function (PMID: 16199547), and loss-of-function variants in RTEL1 are known to be pathogenic (PMID: 23453664, 23959892, 25607374). This variant is not present in population databases (gnomAD no frequency). This variant has not been reported in the literature in individuals affected with RTEL1-related conditions. Algorithms developed to predict the effect of sequence changes on RNA splicing suggest that this variant may disrupt the consensus splice site. In summary, the currently available evidence indicates that the variant is pathogenic, but additional data are needed to prove that conclusively. Therefore, this variant has been classified as Likely Pathogenic.

Literature cited by the submitters: PubMed 16199547; PubMed 23453664; PubMed 23959892; PubMed 25607374.

NM_001283009.2(RTEL1):c.1038-2A>G

Genes: RTEL1-TNFRSF6B (RTEL1-TNFRSF6B readthrough (NMD candidate); plus strand), RTEL1 (regulator of telomere elongation helicase 1; plus strand). Cytogenetic location: 20q13.33.
Variant type: single nucleotide variant.
Coding change: c.1038-2A>G on transcript NM_001283009.2 (MANE Select); the canonical splice acceptor site of the intron before coding-DNA position 1038, A replaced by G.
Molecular consequence: splice acceptor variant.
Genome position (GRCh38, 1-based): chr20:63,679,847, A>G. VCF-style: chr20-63679847-A-G. GRCh37 (hg19) VCF-style: chr20-62311200-A-G.
Other names: c.369-2A>G (NM_001283010.1); c.1110-2A>G (NM_032957.5); c.1038-2A>G (NM_016434.4).
Identifiers: ClinVar variation 2087523 (VCV002087523.4), dbSNP rs2517068279, ClinGen allele CA409673699.